The following is an entry in ClinVar:

ClinVar aggregate classification (germline): Uncertain significance. Review status: criteria provided, multiple submitters, no conflicts (2 of 4 stars). 4 submissions from 4 submitters: Uncertain significance (4). Last evaluated 2023-08-04.

Conditions:
Hereditary cancer-predisposing syndrome. Also called: Hereditary neoplastic syndrome; Tumor predisposition; Neoplastic Syndromes, Hereditary; Hereditary Cancer Syndrome. Identifiers: Orphanet 140162, MedGen C0027672, MeSH D009386, MONDO:0015356.
Melanoma, cutaneous malignant, susceptibility to, 1 (CMM1). Also called: B-K MOLE SYNDROME; MELANOMA, MALIGNANT; DYSPLASTIC NEVUS SYNDROME, HEREDITARY; FAMILIAL ATYPICAL MOLE-MALIGNANT MELANOMA SYNDROME. Identifiers: Orphanet 618, MedGen C1835047, MONDO:0007963, OMIM 155600.
Peutz-Jeghers syndrome (PJS). Also called: Peutz-Jeghers polyposis; Periorificial lentiginosis syndrome; POLYPOSIS, HAMARTOMATOUS INTESTINAL; POLYPS-AND-SPOTS SYNDROME. Identifiers: Orphanet 2869, MedGen C0031269, MeSH D010580, MONDO:0008280, OMIM 175200.

Submissions (4):

Baylor Genetics
Classification: Uncertain significance for Melanoma, cutaneous malignant, susceptibility to, 1. Last evaluated: 2023-08-04. Review status: criteria provided, single submitter. Criteria: ACMG Guidelines, 2015. Collection method: clinical testing. Allele origin: unknown.

Ambry Genetics
Classification: Uncertain significance for Hereditary cancer-predisposing syndrome. Last evaluated: 2023-03-30. Review status: criteria provided, single submitter. Criteria: Ambry Variant Classification Scheme 2023. Collection method: clinical testing. Allele origin: germline.
Comment: The p.L80V variant (also known as c.238C>G), located in coding exon 1 of the STK11 gene, results from a C to G substitution at nucleotide position 238. The leucine at codon 80 is replaced by valine, an amino acid with highly similar properties. This amino acid position is highly conserved in available vertebrate species. In addition, the in silico prediction for this alteration is inconclusive. Since supporting evidence is limited at this time, the clinical significance of this alteration remains unclear.

Labcorp Genetics (formerly Invitae), Labcorp
Classification: Uncertain significance for Peutz-Jeghers syndrome. Last evaluated: 2022-10-28. Review status: criteria provided, single submitter. Criteria: Invitae Variant Classification Sherloc (09022015). Collection method: clinical testing. Allele origin: germline.
Comment: This sequence change replaces leucine, which is neutral and non-polar, with valine, which is neutral and non-polar, at codon 80 of the STK11 protein (p.Leu80Val). In summary, the available evidence is currently insufficient to determine the role of this variant in disease. Therefore, it has been classified as a Variant of Uncertain Significance. Advanced modeling of protein sequence and biophysical properties (such as structural, functional, and spatial information, amino acid conservation, physicochemical variation, residue mobility, and thermodynamic stability) has been performed at Invitae for this missense variant, however the output from this modeling did not meet the statistical confidence thresholds required to predict the impact of this variant on STK11 protein function. ClinVar contains an entry for this variant (Variation ID: 428763). This variant has not been reported in the literature in individuals affected with STK11-related conditions. This variant is not present in population databases (gnomAD no frequency).

Genome-Nilou Lab
Classification: Uncertain significance for Peutz-Jeghers syndrome. Last evaluated: 2021-07-15. Review status: criteria provided, single submitter. Criteria: ACMG Guidelines, 2015. Collection method: clinical testing. Allele origin: germline. Affected: no.

NM_000455.5(STK11):c.238C>G (p.Leu80Val)

Gene: STK11 (serine/threonine kinase 11; plus strand). Cytogenetic location: 19p13.3.
Variant type: single nucleotide variant.
Coding change: c.238C>G on transcript NM_000455.5 (MANE Select); coding-DNA position 238, C replaced by G.
Protein change: p.Leu80Val; replaces leucine 80 with valine.
Molecular consequence: missense variant.
Genome position (GRCh38, 1-based): chr19:1,207,151, C>G. VCF-style: chr19-1207151-C-G. GRCh37 (hg19) VCF-style: chr19-1207150-C-G.
Other names: short protein forms L80V.
Identifiers: ClinVar variation 428763 (VCV000428763.14), dbSNP rs1131690927, ClinGen allele CA402944457.